The following is an entry in ClinVar:

NM_001364171.2(ODAD1):c.707C>T (p.Ala236Val)

Gene: ODAD1 (outer dynein arm docking complex subunit 1; minus strand). Cytogenetic location: 19q13.33.
Variant type: single nucleotide variant.
Coding change: c.707C>T on transcript NM_001364171.2 (MANE Select); coding-DNA position 707, C replaced by T.
Protein change: p.Ala236Val; replaces alanine 236 with valine.
Molecular consequence: missense variant.
Genome position (GRCh38, 1-based): chr19:48,304,099, G>A on the plus strand (C>T on the coding strand, the complement: ODAD1 is on the minus strand). VCF-style: chr19-48304099-G-A. GRCh37 (hg19) VCF-style: chr19-48807356-G-A.
Other names: c.596C>T, p.Ala199Val (NM_144577.4); short protein forms A199V, A236V.
Identifiers: ClinVar variation 1000564 (VCV001000564.23), dbSNP rs374990723, ClinGen allele CA9548979.
Genomic context (GRCh38, chr19:48,304,099, plus strand): 5'-TGCAAGATCTGCCGCTGCAGGACCTGCGCCTCCATCTCGCTCTGGGCCTCCTCTTTCTCC[G>A]CGCGCTCCCGCAGCAAGCCCATCTTGGCCTTCGCCTCCTCCCTGCGGGGGTCAGCCGGGG-3'
Protein context (NP_001351100.1, residues 226-246): KAKMGLLRER[Ala236Val]EKEEAQSEME

ClinVar aggregate classification (germline): Conflicting classifications of pathogenicity. Review status: criteria provided, conflicting classifications (1 of 4 stars). 5 submissions from 5 submitters: Likely pathogenic (3); Uncertain significance (2). Last evaluated 2026-01-20.

Conditions:
Primary ciliary dyskinesia. Also called: Ciliary dyskinesia. Identifiers: Orphanet 244, MedGen C0008780, MONDO:0016575, HP:0012265.
Primary ciliary dyskinesia 20. Also called: CILIARY DYSKINESIA, PRIMARY, 20, WITH OR WITHOUT SITUS INVERSUS. Identifiers: Orphanet 244, MedGen C3540844, MONDO:0014030, OMIM 615067.

Allele frequency attached by ClinVar (database versions not stated): gnomAD 0.00002 and 0.00004; TOPMed 0.00006; ESP Exome Variant Server 0.00008; gnomAD exomes 0.00009 and 0.00012; ExAC 0.00015.
gnomAD v4.1: 134 of 1,613,330 alleles (0.0083%); highest among the groups gnomAD compares: East Asian, 0.094%; no homozygotes.

Submissions (5):

Labcorp Genetics (formerly Invitae), Labcorp
Classification: Likely pathogenic for Primary ciliary dyskinesia. Last evaluated: 2026-01-20. Review status: criteria provided, single submitter. Criteria: Invitae Variant Classification Sherloc (09022015). Collection method: clinical testing. Allele origin: germline.
Comment: This sequence change replaces alanine, which is neutral and non-polar, with valine, which is neutral and non-polar, at codon 199 of the CCDC114 protein (p.Ala199Val). This variant is present in population databases (rs374990723, gnomAD 0.05%). This missense change has been observed in individual(s) with primary ciliary dykinesia (PMID: 30291279). ClinVar contains an entry for this variant (Variation ID: 1000564). An algorithm developed to predict the effect of missense changes on protein structure and function (PolyPhen-2) suggests that this variant is likely to be disruptive. Experimental studies have shown that this missense change affects CCDC114 function (PMID: 30291279). In summary, the currently available evidence indicates that the variant is pathogenic, but additional data are needed to prove that conclusively. Therefore, this variant has been classified as Likely Pathogenic.

First Genomix Gene Laboratory, Genetic Diagnostics Department
Classification: Likely pathogenic for Primary ciliary dyskinesia 20. Last evaluated: 2025-08-22. Review status: criteria provided, single submitter. Criteria: ACMG Guidelines, 2015. Collection method: clinical testing. Allele origin: germline. Inheritance: Autosomal recessive inheritance. Affected: no. Observed: 1 variant allele.

Johns Hopkins Genomics, Johns Hopkins University
Classification: Uncertain significance for Primary ciliary dyskinesia 20. Last evaluated: 2024-09-06. Review status: criteria provided, single submitter. Criteria: ACMG Guidelines, 2015. Collection method: clinical testing. Allele origin: germline.
Comment: PS3_moderate, PM2, PP4

GeneDx
Classification: Likely pathogenic. Last evaluated: 2021-08-04. Review status: criteria provided, single submitter. Criteria: GeneDx Variant Classification Process June 2021. Collection method: clinical testing. Allele origin: germline. Affected: yes.
Comment: Published siRNA knock-down experiments of CCDC14demonstrate a significant reduction in the number of ciliated cells, which cannot be rescued by expression of the mutant A199V protein, in contrast to wildtype(Li et al., 2019); In silico analysis supports that this missense variant has a deleterious effect on protein structure/function; This variant is associated with the following publications: (PMID: 32855706, 30291279)

Ambry Genetics
Classification: Uncertain significance for Primary ciliary dyskinesia. Last evaluated: 2019-09-11. Review status: criteria provided, single submitter. Criteria: Ambry Variant Classification Scheme 2023. Collection method: clinical testing. Allele origin: germline.
Comment: The p.A199V variant (also known as c.596C>T), located in coding exon 6 of the CCDC114 gene, results from a C to T substitution at nucleotide position 596. The alanine at codon 199 is replaced by valine, an amino acid with similar properties. This amino acid position is well conserved in available vertebrate species; however, valine is the reference amino acid in other vertebrate species. In addition, this alteration is predicted to be tolerated by in silico analysis. Since supporting evidence is limited at this time, the clinical significance of this alteration remains unclear.

Literature cited by the submitters: PubMed 30291279 (cited by Labcorp Genetics (formerly Invitae), Labcorp and Johns Hopkins Genomics, Johns Hopkins University).